The following is an entry in ClinVar:

NM_016151.4(TAOK2):c.3142G>C (p.Ala1048Pro)

Gene: TAOK2 (TAO kinase 2; plus strand). Cytogenetic location: 16p11.2.
Variant type: single nucleotide variant.
Coding change: c.3142G>C on transcript NM_016151.4 (MANE Select); coding-DNA position 3142, G replaced by C.
Protein change: p.Ala1048Pro; replaces alanine 1048 with proline.
Molecular consequence: missense variant. On other transcripts: intron variant (1).
Genome position (GRCh38, 1-based): chr16:29,987,414, G>C. VCF-style: chr16-29987414-G-C. GRCh37 (hg19) VCF-style: chr16-29998735-G-C.
Other names: c.2803G>C, p.Ala935Pro (NM_001252043.2); c.2232+910G>C (NM_004783.4); short protein forms A935P, A1048P.
Identifiers: ClinVar variation 2793094 (VCV002793094.3), dbSNP rs565696351, ClinGen allele CA7998505.

ClinVar aggregate classification (germline): Uncertain significance (1 of 4 stars; one submission).

Allele frequency attached by ClinVar (database versions not stated): ExAC 0.00001; gnomAD 0.00001; 1000 Genomes Project 30x 0.00016; 1000 Genomes Project 0.00020.
gnomAD v4.1: 10 of 1,606,482 alleles (0.00062%); highest among the groups gnomAD compares: South Asian, 0.0077%; no homozygotes.

Submission:

Labcorp Genetics (formerly Invitae), Labcorp
Classification: Uncertain significance. Last evaluated: 2023-12-13. Review status: criteria provided, single submitter. Criteria: Invitae Variant Classification Sherloc (09022015). Collection method: clinical testing. Allele origin: germline.
Comment: This sequence change replaces alanine, which is neutral and non-polar, with proline, which is neutral and non-polar, at codon 1048 of the TAOK2 protein (p.Ala1048Pro). This variant is present in population databases (rs565696351, gnomAD 0.007%). This variant has not been reported in the literature in individuals affected with TAOK2-related conditions. An algorithm developed to predict the effect of missense changes on protein structure and function (PolyPhen-2) suggests that this variant is likely to be disruptive. In summary, the available evidence is currently insufficient to determine the role of this variant in disease. Therefore, it has been classified as a Variant of Uncertain Significance.